The following is an entry in ClinVar:

ClinVar aggregate classification (germline): Likely benign. Review status: criteria provided, multiple submitters, no conflicts (2 of 4 stars). 2 submissions from 2 submitters: Likely benign (2). Last evaluated 2026-04-02.

Conditions:
PLEC-related disorder. Also called: PLEC-related disorders; PLEC-related condition.
Epidermolysis bullosa simplex with nail dystrophy (EBS5D). Identifiers: MedGen C4225309, MONDO:0014661, OMIM 616487.
Epidermolysis bullosa simplex 5B, with muscular dystrophy (EBS5B). Also called: Epidermolysis bullosa simplex with muscular dystrophy; EPIDERMOLYSIS BULLOSA SIMPLEX AND LIMB-GIRDLE MUSCULAR DYSTROPHY. Identifiers: Orphanet 257, MedGen C2931072, MONDO:0009181, OMIM 226670.
Autosomal recessive limb-girdle muscular dystrophy type 2Q (LGMDR17). Also called: MUSCULAR DYSTROPHY, LIMB-GIRDLE, AUTOSOMAL RECESSIVE 17. Identifiers: Orphanet 254361, MedGen C3150989, MONDO:0013390, OMIM 613723.
Epidermolysis bullosa simplex 5C, with pyloric atresia (EBS5C). Also called: PLEC-Related Epidermolysis Bullosa with Pyloric Atresia; Epidermolysis bullosa simplex with pyloric atresia; PLEC1-Related Epidermolysis Bullosa with Pyloric Atresia. Identifiers: Orphanet 158684, MedGen C2677349, MONDO:0012807, OMIM 612138.
Epidermolysis bullosa simplex, Ogna type (EBS5A). Also called: Pidermolysis bullosa simplex 5A, Ogna type; EPIDERMOLYSIS BULLOSA SIMPLEX 5A, OGNA TYPE. Identifiers: Orphanet 79401, MedGen C0432317, MONDO:0007555, OMIM 131950.

Allele frequency attached by ClinVar (database versions not stated): ExAC 0.00002; gnomAD exomes 0.00002; gnomAD 0.00007; TOPMed 0.00009; 1000 Genomes Project 0.00020; 1000 Genomes Project 30x 0.00031.
gnomAD v4.1: 28 of 1,613,962 alleles (0.0017%); highest among the groups gnomAD compares: African/African-American, 0.017%; no homozygotes.

Submissions (2):

PreventionGenetics, part of Exact Sciences
Classification: Likely benign for PLEC-related condition. Last evaluated: 2026-04-02. Review status: criteria provided, single submitter. Criteria: ACMG Guidelines, 2015. Collection method: clinical testing. Allele origin: germline.
Comment: This variant is classified as likely benign based on ACMG/AMP sequence variant interpretation guidelines (Richards et al. 2015 PMID: 25741868, with internal and published modifications).

Labcorp Genetics (formerly Invitae), Labcorp
Classification: Likely benign for Autosomal recessive limb-girdle muscular dystrophy type 2Q; Epidermolysis bullosa simplex, Ogna type; Epidermolysis bullosa simplex with nail dystrophy; Epidermolysis bullosa simplex 5C, with pyloric atresia; Epidermolysis bullosa simplex 5B, with muscular dystrophy. Last evaluated: 2025-03-08. Review status: criteria provided, single submitter. Criteria: Invitae Variant Classification Sherloc (09022015). Collection method: clinical testing. Allele origin: germline.

NM_201384.3(PLEC):c.8631G>A (p.Thr2877=)

Gene: PLEC (plectin; minus strand). Cytogenetic location: 8q24.3.
Variant type: single nucleotide variant.
Coding change: c.8631G>A on transcript NM_201384.3 (MANE Select); coding-DNA position 8631, G replaced by A.
Protein change: p.Thr2877=; no amino-acid change (threonine 2877 retained).
Molecular consequence: synonymous variant.
Genome position (GRCh38, 1-based): chr8:143,921,190, C>T on the plus strand (G>A on the coding strand, the complement: PLEC is on the minus strand). VCF-style: chr8-143921190-C-T. GRCh37 (hg19) VCF-style: chr8-144995358-C-T.
Other names: c.8712G>A, p.Thr2904= (NM_000445.5); c.8589G>A, p.Thr2863= (NM_201378.4); c.8565G>A, p.Thr2855= (NM_201379.3); c.9042G>A, p.Thr3014= (NM_201380.4); c.8535G>A, p.Thr2845= (NM_201381.3); c.8631G>A, p.Thr2877= (NM_201382.4); c.8643G>A, p.Thr2881= (NM_201383.3).
Identifiers: ClinVar variation 728448 (VCV000728448.11), dbSNP rs530936382, ClinGen allele CA4925237.